The following is an entry in ClinVar:

ClinVar aggregate classification (germline): Uncertain significance (1 of 4 stars; one submission).

Submission:

CeGaT Center for Human Genetics Tuebingen
Classification: Uncertain significance. Last evaluated: 2024-07-01. Review status: criteria provided, single submitter. Criteria: CeGaT Center For Human Genetics Tuebingen Variant Classification Criteria Version 2. Collection method: clinical testing. Allele origin: germline. Affected: yes. Observed: 1 variant allele.
Comment: SMARCA4: PM2, BP4

NM_003072.5(SMARCA4):c.1119-5_1119-4delinsT

Gene: SMARCA4 (SWI/SNF related BAF chromatin remodeling complex subunit ATPase 4; plus strand). Cytogenetic location: 19p13.2.
Variant type: Indel.
Coding change: c.1119-5_1119-4delinsT on transcript NM_003072.5 (MANE Select); 5 bases into the intron before coding-DNA position 1119 through 4 bases into the intron before coding-DNA position 1119, CC replaced by T.
Molecular consequence: intron variant.
Genome position (GRCh38, 1-based): chr19:10,989,312-10,989,313, CC replaced by T. VCF-style: chr19-10989312-CC-T. GRCh37 (hg19) VCF-style: chr19-11099988-CC-T.
Other names: c.1119-5_1119-4delinsT (NM_001128844.3, NM_001128849.3, NM_001128847.4 and 6 more transcripts).
Identifiers: ClinVar variation 3257566 (VCV003257566.17).